The following is an entry in ClinVar:

NM_000553.6(WRN):c.2884C>T (p.Gln962Ter)

Gene: WRN (WRN RecQ like helicase; plus strand). Cytogenetic location: 8p12.
Variant type: single nucleotide variant.
Coding change: c.2884C>T on transcript NM_000553.6 (MANE Select); coding-DNA position 2884, C replaced by T.
Protein change: p.Gln962Ter; replaces glutamine 962 with a stop codon.
Molecular consequence: nonsense.
Genome position (GRCh38, 1-based): chr8:31,132,423, C>T. VCF-style: chr8-31132423-C-T. GRCh37 (hg19) VCF-style: chr8-30989939-C-T.
Other names: short protein forms Q962*.
Identifiers: ClinVar variation 1073193 (VCV001073193.8), dbSNP rs1585502089, ClinGen allele CA370919000.

ClinVar aggregate classification (germline): Pathogenic. Review status: criteria provided, multiple submitters, no conflicts (2 of 4 stars). 3 submissions from 3 submitters: Pathogenic (3). Last evaluated 2025-05-01.

Conditions:
Werner syndrome (WRN). Identifiers: Orphanet 902, MedGen C0043119, MONDO:0010196, OMIM 277700.

Allele frequency attached by ClinVar (database versions not stated): gnomAD exomes below 0.00001.
gnomAD v4.1: 4 of 1,614,142 alleles (0.00025%); highest among the groups gnomAD compares: Non-Finnish European, 0.00034%; no homozygotes.

Submissions (3):

Labcorp Genetics (formerly Invitae), Labcorp
Classification: Pathogenic for Werner syndrome. Last evaluated: 2025-05-01. Review status: criteria provided, single submitter. Criteria: Invitae Variant Classification Sherloc (09022015). Collection method: clinical testing. Allele origin: germline.
Comment: This sequence change creates a premature translational stop signal (p.Gln962*) in the WRN gene. It is expected to result in an absent or disrupted protein product. Loss-of-function variants in WRN are known to be pathogenic (PMID: 16673358). This variant is not present in population databases (gnomAD no frequency). This premature translational stop signal has been observed in individual(s) with Werner syndrome (PMID: 16673358, 29753700). ClinVar contains an entry for this variant (Variation ID: 1073193). For these reasons, this variant has been classified as Pathogenic.

Women's Health and Genetics/Laboratory Corporation of America, LabCorp
Classification: Pathogenic for Werner syndrome. Last evaluated: 2024-10-14. Review status: criteria provided, single submitter. Criteria: LabCorp Variant Classification Summary - May 2015. Collection method: clinical testing. Allele origin: germline.
Comment: Variant summary: WRN c.2884C>T (p.Gln962X) results in a premature termination codon, predicted to cause absence of the protein due to nonsense mediated decay, which is a commonly known mechanism for disease. The variant was absent in 251266 control chromosomes (gnomAD). c.2884C>T has been reported in the literature in an individual(s) affected with Werner Syndrome (Huang_2006). The following publication has been ascertained in the context of this evaluation (PMID: 16673358). ClinVar contains an entry for this variant (Variation ID: 1073193). Based on the evidence outlined above, the variant was classified as pathogenic.

Baylor Genetics
Classification: Pathogenic for Werner syndrome. Last evaluated: 2023-11-12. Review status: criteria provided, single submitter. Criteria: ACMG Guidelines, 2015. Collection method: clinical testing. Allele origin: unknown.

Literature cited by the submitters: PubMed 16673358 (cited by Labcorp Genetics (formerly Invitae), Labcorp and Women's Health and Genetics/Laboratory Corporation of America, LabCorp); PubMed 29753700 (cited by Labcorp Genetics (formerly Invitae), Labcorp).